The following is an entry in ClinVar:

ClinVar aggregate classification (germline): Uncertain significance (1 of 4 stars; one submission).

Conditions:
Rubinstein-Taybi syndrome (RSTS). Identifiers: Orphanet 783, MedGen C0035934, MONDO:0019188.

gnomAD v4.1: 1 of 1,612,636 alleles (0.000062%); highest among the groups gnomAD compares: Non-Finnish European, 0.000085%; no homozygotes.

Submission:

Labcorp Genetics (formerly Invitae), Labcorp
Classification: Uncertain significance for Rubinstein-Taybi syndrome. Last evaluated: 2024-08-07. Review status: criteria provided, single submitter. Criteria: Invitae Variant Classification Sherloc (09022015). Collection method: clinical testing. Allele origin: germline.
Comment: This sequence change replaces proline, which is neutral and non-polar, with leucine, which is neutral and non-polar, at codon 9 of the CREBBP protein (p.Pro9Leu). This variant is not present in population databases (gnomAD no frequency). This variant has not been reported in the literature in individuals affected with CREBBP-related conditions. Advanced modeling of protein sequence and biophysical properties (such as structural, functional, and spatial information, amino acid conservation, physicochemical variation, residue mobility, and thermodynamic stability) has been performed at Invitae for this missense variant, however the output from this modeling did not meet the statistical confidence thresholds required to predict the impact of this variant on CREBBP protein function. In summary, the available evidence is currently insufficient to determine the role of this variant in disease. Therefore, it has been classified as a Variant of Uncertain Significance.

NM_004380.3(CREBBP):c.26C>T (p.Pro9Leu)

Gene: CREBBP (CREB binding lysine acetyltransferase; minus strand). Cytogenetic location: 16p13.3.
Variant type: single nucleotide variant.
Coding change: c.26C>T on transcript NM_004380.3 (MANE Select); coding-DNA position 26, C replaced by T.
Protein change: p.Pro9Leu; replaces proline 9 with leucine.
Molecular consequence: missense variant.
Genome position (GRCh38, 1-based): chr16:3,879,891, G>A on the plus strand (C>T on the coding strand, the complement: CREBBP is on the minus strand). VCF-style: chr16-3879891-G-A. GRCh37 (hg19) VCF-style: chr16-3929892-G-A.
Other names: c.26C>T, p.Pro9Leu (NM_001079846.1); short protein forms P9L.
Identifiers: ClinVar variation 3637270 (VCV003637270.2).
Genomic context (GRCh38, chr16:3,879,891, plus strand): 5'-CCTGTGCTGTCATTCGCCGAGAAACCGGGCGAGCTGAGTTTGGCTCTTTTGGGGTTGGGC[G>A]GTCCGTCCAGCAAGTTCTCAGCCATTTTCACCTGCTCGCGAAAACAGCCCCGGGCACGGG-3'
Protein context (NP_004371.2, residues 1-19): MAENLLDG[Pro9Leu]PNPKRAKLSS